The following is an entry in ClinVar:

NM_000292.3(PHKA2):c.1042-17A>G

Gene: PHKA2 (phosphorylase kinase regulatory subunit alpha 2; minus strand). Cytogenetic location: Xp22.13.
Variant type: single nucleotide variant.
Coding change: c.1042-17A>G on transcript NM_000292.3 (MANE Select); 17 bases into the intron before coding-DNA position 1042, A replaced by G.
Molecular consequence: intron variant.
Genome position (GRCh38, 1-based): chrX:18,936,167, T>C on the plus strand (A>G on the coding strand, the complement: PHKA2 is on the minus strand). VCF-style: chrX-18936167-T-C. GRCh37 (hg19) VCF-style: chrX-18954285-T-C.
Identifiers: ClinVar variation 511827 (VCV000511827.9), dbSNP rs368817576, ClinGen allele CA10361990.

ClinVar aggregate classification (germline): Benign/Likely benign. Review status: criteria provided, multiple submitters, no conflicts (2 of 4 stars). 2 submissions from 2 submitters: Benign (1); Likely benign (1). Last evaluated 2026-01-27.

Conditions:
Glycogen storage disease IXa1. Also called: GLYCOGEN STORAGE DISEASE VIII; GSD VIII; Glycogen storage disease 8; LIVER GLYCOGENOSIS, X-LINKED, TYPE I. Identifiers: Orphanet 264580, MedGen C3694531, MONDO:0010598, OMIM 306000.

Allele frequency attached by ClinVar (database versions not stated): 1000 Genomes Project 30x 0.00021; gnomAD exomes 0.00023; 1000 Genomes Project 0.00026; ExAC 0.00032; ESP Exome Variant Server 0.00076; gnomAD 0.00084 and 0.00093; TOPMed 0.00086.

Submissions (2):

Labcorp Genetics (formerly Invitae), Labcorp
Classification: Benign for Glycogen storage disease IXa1. Last evaluated: 2026-01-27. Review status: criteria provided, single submitter. Criteria: Invitae Variant Classification Sherloc (09022015). Collection method: clinical testing. Allele origin: germline.

GeneDx
Classification: Likely benign. Last evaluated: 2017-08-30. Review status: criteria provided, single submitter. Criteria: GeneDx Variant Classification (06012015). Collection method: clinical testing. Allele origin: germline. Affected: yes.
Comment: This variant is considered likely benign or benign based on one or more of the following criteria: it is a conservative change, it occurs at a poorly conserved position in the protein, it is predicted to be benign by multiple in silico algorithms, and/or has population frequency not consistent with disease.